The following is an entry in ClinVar:

ClinVar aggregate classification (germline): Uncertain significance (1 of 4 stars; one submission).

Conditions:
DNA ligase IV deficiency. Identifiers: Orphanet 99812, MedGen C1847827, MONDO:0011686, OMIM 606593.

Allele frequency attached by ClinVar (database versions not stated): TOPMed below 0.00001; gnomAD 0.00001; gnomAD exomes 0.00001 and below 0.00001; ExAC 0.00002.
gnomAD v4.1: 5 of 1,612,284 alleles (0.00031%); highest among the groups gnomAD compares: African/African-American, 0.0013%; no homozygotes.

Submission:

Labcorp Genetics (formerly Invitae), Labcorp
Classification: Uncertain significance for DNA ligase IV deficiency. Last evaluated: 2021-10-16. Review status: criteria provided, single submitter. Criteria: Invitae Variant Classification Sherloc (09022015). Collection method: clinical testing. Allele origin: germline.
Comment: This sequence change replaces lysine with glutamic acid at codon 411 of the LIG4 protein (p.Lys411Glu). The lysine residue is moderately conserved and there is a small physicochemical difference between lysine and glutamic acid. This variant is present in population databases (rs753182650, ExAC 0.003%). This variant has not been reported in the literature in individuals affected with LIG4-related conditions. Algorithms developed to predict the effect of missense changes on protein structure and function (SIFT, PolyPhen-2, Align-GVGD) all suggest that this variant is likely to be tolerated. In summary, the available evidence is currently insufficient to determine the role of this variant in disease. Therefore, it has been classified as a Variant of Uncertain Significance.

NM_206937.2(LIG4):c.1231A>G (p.Lys411Glu)

Gene: LIG4 (DNA ligase 4; minus strand). Cytogenetic location: 13q33.3.
Variant type: single nucleotide variant.
Coding change: c.1231A>G on transcript NM_206937.2 (MANE Select); coding-DNA position 1231, A replaced by G.
Protein change: p.Lys411Glu; replaces lysine 411 with glutamic acid.
Molecular consequence: missense variant.
Genome position (GRCh38, 1-based): chr13:108,210,038, T>C on the plus strand (A>G on the coding strand, the complement: LIG4 is on the minus strand). VCF-style: chr13-108210038-T-C. GRCh37 (hg19) VCF-style: chr13-108862386-T-C.
Other names: c.1030A>G, p.Lys344Glu (NM_001330595.2); c.1231A>G, p.Lys411Glu (NM_001352598.2, NM_001352599.2, NM_001352600.2 and 6 more transcripts); c.1267A>G, p.Lys423Glu (NM_001352604.2); short protein forms K344E, K411E, K423E.
Identifiers: ClinVar variation 1413823 (VCV001413823.3), dbSNP rs753182650, ClinGen allele CA7043729.
Genomic context (GRCh38, chr13:108,210,038, plus strand): 5'-CCATAATTCCCTCTTCTCTTTTATCTATTGCTTCATTCAATGCATCAATTACTTCATTCT[T>C]AGTATGAGCTTGTGTTTTCTGCACTATTTCTATTCTACCTGGAATTGGTGTAAAAATACT-3'
Protein context (NP_996820.1, residues 401-421): EIVQKTQAHT[Lys411Glu]NEVIDALNEA